The following is an entry in ClinVar:

NM_012330.4(KAT6B):c.279G>C (p.Lys93Asn)

Gene: KAT6B (lysine acetyltransferase 6B; plus strand). Cytogenetic location: 10q22.2.
Variant type: single nucleotide variant.
Coding change: c.279G>C on transcript NM_012330.4 (MANE Select); coding-DNA position 279, G replaced by C.
Protein change: p.Lys93Asn; replaces lysine 93 with asparagine.
Molecular consequence: missense variant. On other transcripts: 5 prime UTR variant (2).
Genome position (GRCh38, 1-based): chr10:74,843,136, G>C. VCF-style: chr10-74843136-G-C. GRCh37 (hg19) VCF-style: chr10-76602894-G-C.
Other names: c.279G>C, p.Lys93Asn (NM_001256468.2, NM_001256469.2, NM_001370132.1 and 10 more transcripts); c.-260G>C (NM_001370134.1, NM_001370135.1); short protein forms K93N.
Identifiers: ClinVar variation 2480374 (VCV002480374.5), dbSNP rs2548334297, ClinGen allele CA377399688.

ClinVar aggregate classification (germline): Uncertain significance. Review status: criteria provided, multiple submitters, no conflicts (2 of 4 stars). 2 submissions from 2 submitters: Uncertain significance (2). Last evaluated 2023-02-01.

Conditions:
Inborn genetic diseases. Identifiers: MedGen C0950123, MeSH D030342.
Genitopatellar syndrome (GTPTS). Also called: Genitopatellar syndrome (GPS); ABSENT PATELLAE, SCROTAL HYPOPLASIA, RENAL ANOMALIES, FACIAL DYSMORPHISM, AND MENTAL RETARDATION. Identifiers: Orphanet 85201, MedGen C1853566, MONDO:0011640, OMIM 606170.

Submissions (2):

Ambry Genetics
Classification: Uncertain significance for Inborn genetic diseases. Last evaluated: 2023-02-01. Review status: criteria provided, single submitter. Criteria: Ambry Variant Classification Scheme 2023. Collection method: clinical testing. Allele origin: germline.

Labcorp Genetics (formerly Invitae), Labcorp
Classification: Uncertain significance for Genitopatellar syndrome. Last evaluated: 2023-01-23. Review status: criteria provided, single submitter. Criteria: Invitae Variant Classification Sherloc (09022015). Collection method: clinical testing. Allele origin: germline.
Comment: This variant is not present in population databases (gnomAD no frequency). Algorithms developed to predict the effect of missense changes on protein structure and function are either unavailable or do not agree on the potential impact of this missense change (SIFT: "Deleterious"; PolyPhen-2: "Possibly Damaging"; Align-GVGD: "Class C0"). This variant has not been reported in the literature in individuals affected with KAT6B-related conditions. This sequence change replaces lysine, which is basic and polar, with asparagine, which is neutral and polar, at codon 93 of the KAT6B protein (p.Lys93Asn). In summary, the available evidence is currently insufficient to determine the role of this variant in disease. Therefore, it has been classified as a Variant of Uncertain Significance.